The following is an entry in ClinVar:

NM_177438.3(DICER1):c.4130del (p.Pro1377fs)

Gene: DICER1 (dicer 1, ribonuclease III; minus strand). Cytogenetic location: 14q32.13.
Variant type: Deletion.
Coding change: c.4130del on transcript NM_177438.3 (MANE Select); coding-DNA position 4130, one base deleted (C; older notation c.4130delC).
Protein change: p.Pro1377fs; shifts the reading frame from proline 1377.
Molecular consequence: frameshift variant.
Genome position (GRCh38, 1-based): chr14:95,099,856, G deleted on the plus strand (C on the coding strand, the reverse complement: DICER1 is on the minus strand); the first of 5 consecutive G bases (chr14:95,099,856-95,099,860); deleting any one gives the same sequence. VCF-style (leftmost placement, unchanged base first): chr14-95099855-AG-A. GRCh37 (hg19) VCF-style: chr14-95566192-AG-A.
Other names: c.4130delC (NM_177438.2); c.4130del, p.Pro1377fs (NM_001195573.1, NM_001271282.3, NM_001291628.2 and 1 more transcripts); short protein forms P1377fs.
Identifiers: ClinVar variation 412050 (VCV000412050.13), dbSNP rs34678453, ClinGen allele CA16614632.

ClinVar aggregate classification (germline): Pathogenic. Review status: criteria provided, multiple submitters, no conflicts (2 of 4 stars). 2 submissions from 2 submitters: Pathogenic (2). Last evaluated 2025-02-05.

Conditions:
Hereditary cancer-predisposing syndrome. Also called: Hereditary neoplastic syndrome; Neoplastic Syndromes, Hereditary; Tumor predisposition; Hereditary Cancer Syndrome. Identifiers: Orphanet 140162, MedGen C0027672, MeSH D009386, MONDO:0015356.
DICER1-related tumor predisposition. Also called: DICER1-related pleuropulmonary blastoma cancer predisposition syndrome; DICER1 syndrome. Identifiers: Orphanet 284343, MedGen C3839822, MONDO:0100216.

Submissions (2):

Labcorp Genetics (formerly Invitae), Labcorp
Classification: Pathogenic for DICER1-related tumor predisposition. Last evaluated: 2025-02-05. Review status: criteria provided, single submitter. Criteria: Invitae Variant Classification Sherloc (09022015). Collection method: clinical testing. Allele origin: germline.
Comment: This sequence change creates a premature translational stop signal (p.Pro1377Leufs*2) in the DICER1 gene. It is expected to result in an absent or disrupted protein product. Loss-of-function variants in DICER1 are known to be pathogenic (PMID: 19556464, 21266384). This variant is not present in population databases (gnomAD no frequency). This variant has not been reported in the literature in individuals affected with DICER1-related conditions. ClinVar contains an entry for this variant (Variation ID: 412050). For these reasons, this variant has been classified as Pathogenic.

Ambry Genetics
Classification: Pathogenic for Hereditary cancer-predisposing syndrome. Last evaluated: 2024-04-29. Review status: criteria provided, single submitter. Criteria: Ambry Variant Classification Scheme 2023. Collection method: clinical testing. Allele origin: germline.
Comment: The c.4130delC pathogenic mutation, located in coding exon 21 of the DICER1 gene, results from a deletion of one nucleotide at nucleotide position 4130, causing a translational frameshift with a predicted alternate stop codon (p.P1377Lfs*2). This variant is considered to be rare based on population cohorts in the Genome Aggregation Database (gnomAD). This alteration is expected to result in loss of function by premature protein truncation or nonsense-mediated mRNA decay. As such, this alteration is interpreted as a disease-causing mutation.

Literature cited by the submitters: PubMed 19556464 (cited by Labcorp Genetics (formerly Invitae), Labcorp); PubMed 21266384 (cited by Labcorp Genetics (formerly Invitae), Labcorp).